The following is an entry in ClinVar:

NM_000593.6(TAP1):c.1727A>G (p.Tyr576Cys)

Gene: TAP1 (transporter 1, ATP binding cassette subfamily B member; minus strand). Cytogenetic location: 6p21.32.
Variant type: single nucleotide variant.
Coding change: c.1727A>G on transcript NM_000593.6 (MANE Select); coding-DNA position 1727, A replaced by G.
Protein change: p.Tyr576Cys; replaces tyrosine 576 with cysteine.
Molecular consequence: missense variant.
Genome position (GRCh38, 1-based): chr6:32,847,932, T>C on the plus strand (A>G on the coding strand, the complement: TAP1 is on the minus strand). VCF-style: chr6-32847932-T-C. GRCh37 (hg19) VCF-style: chr6-32815709-T-C.
Other names: c.1124A>G, p.Tyr375Cys (NM_001292022.2); short protein forms Y375C, Y576C.
Identifiers: ClinVar variation 2084426 (VCV002084426.3), dbSNP rs1328042727, ClinGen allele CA363591366.
Genomic context (GRCh38, chr6:32,847,932, plus strand): 5'-TCGTATTTGATGCTCCCTGCCCTCCTTCAAGCCACCTGCTTCCATACCTGCCTGTGCAGG[T>C]AGCGGTGCTCATATTGGGGAAGGGGCTTCCCATCCAACAGCAGCTGTCCCCCGGTGGGCT-3'
Protein context (NP_000584.3, residues 566-586): GKPLPQYEHR[Tyr576Cys]LHRQVAAVGQ

ClinVar aggregate classification (germline): Uncertain significance (1 of 4 stars; one submission).

Conditions:
MHC class I deficiency. Identifiers: Orphanet 34592, MedGen C6024714, MONDO:0011476.

Allele frequency attached by ClinVar (database versions not stated): gnomAD exomes below 0.00001; gnomAD 0.00001; TOPMed 0.00001.
gnomAD v4.1: 2 of 1,613,006 alleles (0.00012%); highest among the groups gnomAD compares: Non-Finnish European, 0.00017%; no homozygotes.

Submission:

Labcorp Genetics (formerly Invitae), Labcorp
Classification: Uncertain significance for MHC class I deficiency 1. Last evaluated: 2022-04-05. Review status: criteria provided, single submitter. Criteria: Invitae Variant Classification Sherloc (09022015). Collection method: clinical testing. Allele origin: germline.
Comment: In summary, the available evidence is currently insufficient to determine the role of this variant in disease. Therefore, it has been classified as a Variant of Uncertain Significance. Algorithms developed to predict the effect of missense changes on protein structure and function are either unavailable or do not agree on the potential impact of this missense change (SIFT: "Deleterious"; PolyPhen-2: "Probably Damaging"; Align-GVGD: "Class C0"). This variant has not been reported in the literature in individuals affected with TAP1-related conditions. This variant is present in population databases (no rsID available, gnomAD 0.007%). This sequence change replaces tyrosine, which is neutral and polar, with cysteine, which is neutral and slightly polar, at codon 636 of the TAP1 protein (p.Tyr636Cys).